The following is an entry in ClinVar:

NM_001384732.1(CPLANE1):c.8534T>C (p.Ile2845Thr)

Gene: CPLANE1 (ciliogenesis and planar polarity effector complex subunit 1; minus strand). Cytogenetic location: 5p13.2.
Variant type: single nucleotide variant.
Coding change: c.8534T>C on transcript NM_001384732.1 (MANE Select); coding-DNA position 8534, T replaced by C.
Protein change: p.Ile2845Thr; replaces isoleucine 2845 with threonine.
Molecular consequence: missense variant.
Genome position (GRCh38, 1-based): chr5:37,142,408, A>G on the plus strand (T>C on the coding strand, the complement: CPLANE1 is on the minus strand). VCF-style: chr5-37142408-A-G. GRCh37 (hg19) VCF-style: chr5-37142510-A-G.
Other names: c.8372T>C, p.Ile2791Thr (NM_023073.4); short protein forms I2791T, I2845T.
Identifiers: ClinVar variation 1356591 (VCV001356591.8), dbSNP rs2150406871, ClinGen allele CA359472734.

ClinVar aggregate classification (germline): Uncertain significance (1 of 4 stars; one submission).

gnomAD v4.1: 1 of 1,611,364 alleles (0.000062%); highest among the groups gnomAD compares: East Asian, 0.0022%; no homozygotes.

Submission:

Labcorp Genetics (formerly Invitae), Labcorp
Classification: Uncertain significance. Last evaluated: 2020-12-16. Review status: criteria provided, single submitter. Criteria: Invitae Variant Classification Sherloc (09022015). Collection method: clinical testing. Allele origin: germline.
Comment: This sequence change replaces isoleucine with threonine at codon 2791 of the CPLANE1 protein (p.Ile2791Thr). The isoleucine residue is weakly conserved and there is a moderate physicochemical difference between isoleucine and threonine. This variant is not present in population databases (ExAC no frequency). This variant has not been reported in the literature in individuals with CPLANE1-related conditions. Advanced modeling of protein sequence and biophysical properties (such as structural, functional, and spatial information, amino acid conservation, physicochemical variation, residue mobility, and thermodynamic stability) performed at Invitae indicates that this missense variant is not expected to disrupt CPLANE1 protein function. In summary, the available evidence is currently insufficient to determine the role of this variant in disease. Therefore, it has been classified as a Variant of Uncertain Significance.